The following is an entry in ClinVar:

ClinVar aggregate classification (germline): Uncertain significance (1 of 4 stars; one submission).

Conditions:
Ectodermal dysplasia 15, hypohidrotic/hair type. Identifiers: MedGen C5193145, MONDO:0032804, OMIM 618535.

Allele frequency attached by ClinVar (database versions not stated): gnomAD 0.00002 and 0.00003.

Submission:

Greenwood Genetic Center Diagnostic Laboratories, Greenwood Genetic Center
Classification: Uncertain significance for Ectodermal dysplasia 15, hypohidrotic/hair type. Last evaluated: 2021-06-29. Review status: criteria provided, single submitter. Criteria: ACMG Guidelines, 2015. Collection method: clinical testing. Allele origin: germline. Affected: yes.
Comment: PM2

NM_001323.4(CST6):c.62C>T (p.Ala21Val)

Gene: CST6 (cystatin E/M; plus strand). Cytogenetic location: 11q13.1.
Variant type: single nucleotide variant.
Coding change: c.62C>T on transcript NM_001323.4 (MANE Select); coding-DNA position 62, C replaced by T.
Protein change: p.Ala21Val; replaces alanine 21 with valine.
Molecular consequence: missense variant.
Genome position (GRCh38, 1-based): chr11:66,012,106, C>T. VCF-style: chr11-66012106-C-T. GRCh37 (hg19) VCF-style: chr11-65779577-C-T.
Other names: short protein forms A21V.
Identifiers: ClinVar variation 1334506 (VCV001334506.4), dbSNP rs753288221, ClinGen allele CA224019061.
Genomic context (GRCh38, chr11:66,012,106, plus strand): 5'-TGGCGCGTTCGAACCTCCCGCTGGCGCTGGGCCTGGCCCTGGTCGCATTCTGCCTCCTGG[C>T]GCTGCCACGCGACGCCCGGGCCCGGCCGCAGGAGCGCATGGTCGGAGAACTCCGGGACCT-3'
Protein context (NP_001314.1, residues 11-31): GLALVAFCLL[Ala21Val]LPRDARARPQ